The following is an entry in ClinVar:

ClinVar aggregate classification (germline): Uncertain significance (1 of 4 stars; one submission).

Conditions:
Tatton-Brown-Rahman overgrowth syndrome. Also called: Tall stature-intellectual disability-facial dysmorphism syndrome; Tatton-Brown-Rahman syndrome. Identifiers: Orphanet 404443, MedGen C4014545, MONDO:0014382, OMIM 615879.

Allele frequency attached by ClinVar (database versions not stated): gnomAD exomes below 0.00001.
gnomAD v4.1: 1 of 1,611,664 alleles (0.000062%); highest among the groups gnomAD compares: Non-Finnish European, 0.000085%; no homozygotes.

Submission:

Labcorp Genetics (formerly Invitae), Labcorp
Classification: Uncertain significance for Tatton-Brown-Rahman overgrowth syndrome. Last evaluated: 2026-01-05. Review status: criteria provided, single submitter. Criteria: Invitae Variant Classification Sherloc (09022015). Collection method: clinical testing. Allele origin: germline.
Comment: This sequence change replaces arginine, which is basic and polar, with glycine, which is neutral and non-polar, at codon 209 of the DNMT3A protein (p.Arg209Gly). This variant is not present in population databases (gnomAD no frequency). This variant has not been reported in the literature in individuals affected with DNMT3A-related conditions. ClinVar contains an entry for this variant (Variation ID: 1714641). Invitae Evidence Modeling of protein sequence and biophysical properties (such as structural, functional, and spatial information, amino acid conservation, physicochemical variation, residue mobility, and thermodynamic stability) indicates that this missense variant is not expected to disrupt DNMT3A protein function with a negative predictive value of 95%. In summary, the available evidence is currently insufficient to determine the role of this variant in disease. Therefore, it has been classified as a Variant of Uncertain Significance.

NM_022552.5(DNMT3A):c.625C>G (p.Arg209Gly)

Gene: DNMT3A (DNA methyltransferase 3 alpha; minus strand). Cytogenetic location: 2p23.3.
Variant type: single nucleotide variant.
Coding change: c.625C>G on transcript NM_022552.5 (MANE Select); coding-DNA position 625, C replaced by G.
Protein change: p.Arg209Gly; replaces arginine 209 with glycine.
Molecular consequence: missense variant. On other transcripts: non-coding transcript variant (1).
Genome position (GRCh38, 1-based): chr2:25,274,955, G>C on the plus strand (C>G on the coding strand, the complement: DNMT3A is on the minus strand). VCF-style: chr2-25274955-G-C. GRCh37 (hg19) VCF-style: chr2-25497824-G-C.
Other names: c.625C>G, p.Arg209Gly (NM_175629.2); short protein forms R209G.
Identifiers: ClinVar variation 1714641 (VCV001714641.6), dbSNP rs2031271870, ClinGen allele CA346082880.
Genomic context (GRCh38, chr2:25,274,955, plus strand): 5'-CCAGTTCTGCAGGACGGGCTGGGGCCCAGGCCAGAAGGCGCCTCACCTCCCTTTTCCAGC[G>C]TGCCAGCCACTCGTCCCGCTTGCGCTTGCTGATGTAGTAGGGGTCCCCCGCCTGGAAGGT-3'
Protein context (NP_072046.2, residues 199-219): SKRKRDEWLA[Arg209Gly]WKREAEKKAK